The following is an entry in ClinVar:

NM_001042492.3(NF1):c.7194C>G (p.Tyr2398Ter)

Gene: NF1 (neurofibromin 1; plus strand). Cytogenetic location: 17q11.2.
Variant type: single nucleotide variant.
Coding change: c.7194C>G on transcript NM_001042492.3 (MANE Select); coding-DNA position 7194, C replaced by G.
Protein change: p.Tyr2398Ter; replaces tyrosine 2398 with a stop codon.
Molecular consequence: nonsense.
Genome position (GRCh38, 1-based): chr17:31,349,124, C>G. VCF-style: chr17-31349124-C-G. GRCh37 (hg19) VCF-style: chr17-29676142-C-G.
Other names: c.7131C>G, p.Tyr2377Ter (NM_000267.4); short protein forms Y2377*, Y2398*.
Identifiers: ClinVar variation 966483 (VCV000966483.11), dbSNP rs2070073649, ClinGen allele CA399016659.

ClinVar aggregate classification (germline): Pathogenic. Review status: criteria provided, multiple submitters, no conflicts (2 of 4 stars). 5 submissions from 5 submitters: Pathogenic (4). 1 of the submissions does not count toward it. Last evaluated 2025-08-17.

Conditions:
Juvenile myelomonocytic leukemia (JMML). Also called: LEUKEMIA, JUVENILE MYELOMONOCYTIC, SOMATIC. Identifiers: Orphanet 86834, MedGen C0349639, MONDO:0011908, OMIM 607785, HP:0012209.
NF1-related disorder. Also called: NF1-related condition. Identifiers: MedGen CN379171.
Neurofibromatosis, type 1 (NF1). Also called: NEUROFIBROMATOSIS, TYPE I, SOMATIC; VON RECKLINGHAUSEN DISEASE; Peripheral type neurofibromatosis; Neurofibromatosis, type I. Identifiers: Orphanet 636, MedGen C0027831, MONDO:0018975, OMIM 162200. Disease mechanism: loss of function.
Hereditary cancer-predisposing syndrome. Also called: Neoplastic Syndromes, Hereditary; Tumor predisposition; Hereditary neoplastic syndrome; Hereditary Cancer Syndrome. Identifiers: Orphanet 140162, MedGen C0027672, MeSH D009386, MONDO:0015356.
Cardiovascular phenotype. Identifiers: MedGen CN230736.

Submissions (5):

Labcorp Genetics (formerly Invitae), Labcorp
Classification: Pathogenic for Neurofibromatosis, type 1. Last evaluated: 2025-08-17. Review status: criteria provided, single submitter. Criteria: Invitae Variant Classification Sherloc (09022015). Collection method: clinical testing. Allele origin: germline.
Comment: This sequence change creates a premature translational stop signal (p.Tyr2377*) in the NF1 gene. It is expected to result in an absent or disrupted protein product. Loss-of-function variants in NF1 are known to be pathogenic (PMID: 10712197, 23913538). This variant is not present in population databases (gnomAD no frequency). This premature translational stop signal has been observed in individual(s) with pilocytic astrocytoma (PMID: 2948975). Invitae Evidence Modeling of clinical and family history, age, sex, and reported ancestry of multiple individuals with this NF1 variant has been performed. This variant is expected to be pathogenic with a positive predictive value of at least 99%. This is a validated machine learning model that incorporates the clinical features of 1,785,918 individuals referred to our laboratory for NF1 testing. ClinVar contains an entry for this variant (Variation ID: 966483). For these reasons, this variant has been classified as Pathogenic.

Ambry Genetics
Classification: Pathogenic for Cardiovascular phenotype; Hereditary cancer-predisposing syndrome. Last evaluated: 2024-10-25. Review status: criteria provided, single submitter. Criteria: Ambry Variant Classification Scheme 2023. Collection method: clinical testing. Allele origin: germline.
Comment: The p.Y2377* pathogenic mutation (also known as c.7131C>G), located in coding exon 48 of the NF1 gene, results from a C to G substitution at nucleotide position 7131. This changes the amino acid from a tyrosine to a stop codon within coding exon 48. This alteration was identified in a cohort of French patients with a clinical diagnosis of neurofibromatosis type 1 (Pasmant E et al. Eur J Hum Genet, 2015 May;23:596-601). This variant is considered to be rare based on population cohorts in the Genome Aggregation Database (gnomAD). This alteration is expected to result in loss of function by premature protein truncation or nonsense-mediated mRNA decay. As such, this alteration is interpreted as a disease-causing mutation.

Baylor Genetics
Classification: Pathogenic for Juvenile myelomonocytic leukemia. Last evaluated: 2022-12-27. Review status: criteria provided, single submitter. Criteria: ACMG Guidelines, 2015. Collection method: clinical testing. Allele origin: unknown.

Blueprint Genetics
Classification: Pathogenic for NF1-related disorders. Last evaluated: 2019-12-27. Review status: criteria provided, single submitter. Criteria: ACMG Guidelines, 2015. Collection method: clinical testing. Allele origin: germline. Affected: yes. Observed: 1 variant allele.

Beijing Key Laboratory for Genetic Research of Skeletal Deformity, Peking Union Medical College Hospital
Classification: Pathogenic for Neurofibromatosis, type 1. Last evaluated: 2019-05-31. Review status: no assertion criteria provided. Collection method: research. Allele origin: unknown. Affected: yes. Not counted in ClinVar's aggregate classification.

Literature cited by the submitters: PubMed 10712197 (cited by Labcorp Genetics (formerly Invitae), Labcorp); PubMed 23913538 (cited by Labcorp Genetics (formerly Invitae), Labcorp); PubMed 2948975 (cited by Labcorp Genetics (formerly Invitae), Labcorp); PubMed 25074460 (cited by Ambry Genetics).